The following is an entry in ClinVar:

NM_000124.4(ERCC6):c.1516A>T (p.Lys506Ter)

Gene: ERCC6 (ERCC excision repair 6, chromatin remodeling factor; minus strand). Cytogenetic location: 10q11.23.
Variant type: single nucleotide variant.
Coding change: c.1516A>T on transcript NM_000124.4 (MANE Select); coding-DNA position 1516, A replaced by T.
Protein change: p.Lys506Ter; replaces lysine 506 with a stop codon.
Molecular consequence: nonsense.
Genome position (GRCh38, 1-based): chr10:49,505,894, T>A on the plus strand (A>T on the coding strand, the complement: ERCC6 is on the minus strand). VCF-style: chr10-49505894-T-A. GRCh37 (hg19) VCF-style: chr10-50713940-T-A.
Other names: c.1516A>T, p.Lys506Ter (NM_001346440.2); short protein forms K506*.
Identifiers: ClinVar variation 984140 (VCV000984140.3), dbSNP rs1851434105, ClinGen allele CA376729686.

ClinVar aggregate classification (germline): Likely pathogenic (1 of 4 stars; one submission).

Conditions:
Cockayne syndrome type 2 (CSB). Also called: Cockayne Syndrome, Type II; COCKAYNE SYNDROME B. Identifiers: Orphanet 191, Orphanet 90322, MedGen C0751038, MONDO:0019570, OMIM 133540.

Submission:

Myriad Genetics, Inc.
Classification: Likely pathogenic for Cockayne syndrome type 2. Last evaluated: 2019-07-06. Review status: criteria provided, single submitter. Criteria: Myriad Women's Health Autosomal Recessive and X-Linked Classification Criteria (2019). Collection method: clinical testing. Allele origin: unknown.
Comment: NM_000124.2(ERCC6):c.1516A>T(K506*) is expected to be pathogenic in the context of ERCC6-related disorders. This variant is predicted to lead to an abnormal or absent protein product due to the creation of a premature termination codon in ERCC6, a gene where loss-of-function variants are known to be pathogenic. Please note: this variant was assessed in the context of healthy population screening.